The following is an entry in ClinVar:

NM_001220.5(CAMK2B):c.26del (p.Arg9fs)

Gene: CAMK2B (calcium/calmodulin dependent protein kinase II beta; minus strand). Cytogenetic location: 7p13.
Variant type: Deletion.
Coding change: c.26del on transcript NM_001220.5 (MANE Select); coding-DNA position 26, one base deleted (G; older notation c.26delG).
Protein change: p.Arg9fs; shifts the reading frame from arginine 9.
Molecular consequence: frameshift variant.
Genome position (GRCh38, 1-based): chr7:44,325,396, C deleted on the plus strand (G on the coding strand, the reverse complement: CAMK2B is on the minus strand). VCF-style (leftmost placement, unchanged base first): chr7-44325395-GC-G. GRCh37 (hg19) VCF-style: chr7-44364994-GC-G.
Other names: c.26del, p.Arg9fs (NM_001293170.2, NM_172078.3, NM_172079.3 and 5 more transcripts); short protein forms R9fs.
Identifiers: ClinVar variation 4527702 (VCV004527702.1).

ClinVar aggregate classification (germline): Uncertain significance (1 of 4 stars; one submission).

Submission:

GeneDx
Classification: Uncertain significance. Last evaluated: 2025-05-02. Review status: criteria provided, single submitter. Criteria: GeneDx Variant Classification Process June 2021. Collection method: clinical testing. Allele origin: germline. Affected: yes.
Comment: Not observed at significant frequency in large population cohorts (gnomAD); Frameshift variant predicted to result in protein truncation or nonsense mediated decay in a gene or region of a gene for which loss of function is not a well-established mechanism of disease; Has not been previously published as pathogenic or benign to our knowledge